The following is an entry in ClinVar:

NM_004928.3(CFAP410):c.353_355del (p.Leu118del)

Gene: CFAP410 (cilia and flagella associated protein 410; minus strand). Cytogenetic location: 21q22.3.
Variant type: Deletion.
Coding change: c.353_355del on transcript NM_004928.3 (MANE Select); coding-DNA positions 353 to 355, 3 bases deleted (TAC; older notation c.353_355delTAC).
Protein change: p.Leu118del; deletes leucine 118.
Molecular consequence: inframe deletion.
Genome position (GRCh38, 1-based): chr21:44,333,051-44,333,053, GTA deleted on the plus strand (TAC on the coding strand, the reverse complement: CFAP410 is on the minus strand); deleting any 3 consecutive bases within chr21:44,333,051-44,333,054 gives the same sequence; the c. name uses the placement nearest the transcript's 3' end. VCF-style (leftmost placement, unchanged base first): chr21-44333050-TGTA-T. GRCh37 (hg19) VCF-style: chr21-45752933-TGTA-T.
Other names: c.353_355del, p.Leu118del (NM_001271440.2, NM_001271441.2); c.230_232del, p.Leu77del (NM_001271442.1); short protein forms L118del, L77del.
Identifiers: ClinVar variation 1347792 (VCV001347792.8), dbSNP rs2146067984, ClinGen allele CA2573157695.

ClinVar aggregate classification (germline): Uncertain significance (1 of 4 stars; one submission).

Submission:

Labcorp Genetics (formerly Invitae), Labcorp
Classification: Uncertain significance. Last evaluated: 2021-03-03. Review status: criteria provided, single submitter. Criteria: Invitae Variant Classification Sherloc (09022015). Collection method: clinical testing. Allele origin: germline.
Comment: This variant, c.353_355del, results in the deletion of 1 amino acid(s) of the CFAP410 protein (p.Leu118del), but otherwise preserves the integrity of the reading frame. This variant is not present in population databases (ExAC no frequency). This variant has been observed in individual(s) with clinical features of cone-rod dystrophy (Invitae). Experimental studies and prediction algorithms are not available or were not evaluated, and the functional significance of this variant is currently unknown. In summary, the available evidence is currently insufficient to determine the role of this variant in disease. Therefore, it has been classified as a Variant of Uncertain Significance.